The following is an entry in ClinVar:

ClinVar aggregate classification (germline): Conflicting classifications of pathogenicity. Review status: criteria provided, conflicting classifications (1 of 4 stars). 4 submissions from 4 submitters: Uncertain significance (3); Likely benign (1). Last evaluated 2026-03-11.

Conditions:
ALPK3-related disorder. Also called: ALPK3-related condition.
Cardiovascular phenotype. Identifiers: MedGen CN230736.

Allele frequency attached by ClinVar (database versions not stated): gnomAD exomes 0.00001 and 0.00005; gnomAD 0.00011 and 0.00012; ExAC 0.00012; TOPMed 0.00012; 1000 Genomes Project 0.00020; 1000 Genomes Project 30x 0.00031.
gnomAD v4.1: 37 of 1,565,988 alleles (0.0024%); highest among the groups gnomAD compares: African/African-American, 0.044%; no homozygotes.

Submissions (4):

PreventionGenetics, part of Exact Sciences
Classification: Uncertain significance for ALPK3-related condition. Last evaluated: 2026-03-11. Review status: criteria provided, single submitter. Criteria: ACMG Guidelines, 2015. Collection method: clinical testing. Allele origin: germline.
Comment: The ALPK3 c.4310C>T variant is predicted to result in the amino acid substitution p.Ala1437Val. To our knowledge, this variant has not been reported in the literature. This variant is reported in 0.052% of alleles in individuals of African descent in gnomAD. At this time, the clinical significance of this variant is uncertain due to the absence of conclusive functional and genetic evidence.

Labcorp Genetics (formerly Invitae), Labcorp
Classification: Uncertain significance. Last evaluated: 2026-01-12. Review status: criteria provided, single submitter. Criteria: Invitae Variant Classification Sherloc (09022015). Collection method: clinical testing. Allele origin: germline.
Comment: This sequence change replaces alanine, which is neutral and non-polar, with valine, which is neutral and non-polar, at codon 1437 of the ALPK3 protein (p.Ala1437Val). This variant is present in population databases (rs200282192, gnomAD 0.04%). This missense change has been observed in individual(s) with hypertrophic cardiomyopathy (internal data). ClinVar contains an entry for this variant (Variation ID: 1361083). An algorithm developed to predict the effect of missense changes on protein structure and function (PolyPhen-2) suggests that this variant is likely to be tolerated. In summary, the available evidence is currently insufficient to determine the role of this variant in disease. Therefore, it has been classified as a Variant of Uncertain Significance.

GeneDx
Classification: Uncertain significance. Last evaluated: 2025-06-27. Review status: criteria provided, single submitter. Criteria: GeneDx Variant Classification Process June 2021. Collection method: clinical testing. Allele origin: germline.
Comment: Has not been previously published as pathogenic or benign to our knowledge; In silico analysis suggests that this missense variant does not alter protein structure/function

Ambry Genetics
Classification: Likely benign for Cardiovascular phenotype. Last evaluated: 2024-12-23. Review status: criteria provided, single submitter. Criteria: Ambry Variant Classification Scheme 2023. Collection method: clinical testing. Allele origin: germline.

NM_020778.5(ALPK3):c.3704C>T (p.Ala1235Val)

Gene: ALPK3 (alpha kinase 3; plus strand). Cytogenetic location: 15q25.3.
Variant type: single nucleotide variant.
Coding change: c.3704C>T on transcript NM_020778.5 (MANE Select); coding-DNA position 3704, C replaced by T.
Protein change: p.Ala1235Val; replaces alanine 1235 with valine.
Molecular consequence: missense variant.
Genome position (GRCh38, 1-based): chr15:84,858,442, C>T. VCF-style: chr15-84858442-C-T. GRCh37 (hg19) VCF-style: chr15-85401673-C-T.
Other names: short protein forms A1235V.
Identifiers: ClinVar variation 1361083 (VCV001361083.12), dbSNP rs200282192, ClinGen allele CA7709696.